The following is an entry in ClinVar:

ClinVar aggregate classification (germline): Conflicting classifications of pathogenicity. Review status: criteria provided, conflicting classifications (1 of 4 stars). 5 submissions from 4 submitters: Uncertain significance (2); Likely benign (3). Last evaluated 2023-01-04.

Conditions:
Autosomal recessive ataxia, Beauce type. Also called: Spinocerebellar ataxia, autosomal recessive 8; ATAXIA, RECESSIVE, OF BEAUCE; SYNE1-Related Autosomal Recessive Cerebellar Ataxia; SYNE1 Deficiency. Identifiers: Orphanet 88644, MedGen C1853116, MONDO:0012549, OMIM 610743.
Emery-Dreifuss muscular dystrophy 4, autosomal dominant (EDMD4). Also called: EMERY-DREIFUSS MUSCULAR DYSTROPHY 4 WITH VARIABLE FEATURES. Identifiers: Orphanet 261, MedGen C2751807, MONDO:0013071, OMIM 612998.

Allele frequency attached by ClinVar (database versions not stated): ExAC 0.00002; gnomAD exomes 0.00002 and 0.00011; gnomAD 0.00007; TOPMed 0.00007.
gnomAD v4.1: 165 of 1,614,076 alleles (0.01%); highest among the groups gnomAD compares: Non-Finnish European, 0.013%; no homozygotes.

Submissions (5):

Labcorp Genetics (formerly Invitae), Labcorp
Classification: Likely benign for Emery-Dreifuss muscular dystrophy 4, autosomal dominant; Autosomal recessive ataxia, Beauce type. Last evaluated: 2023-01-04. Review status: criteria provided, single submitter. Criteria: Invitae Variant Classification Sherloc (09022015). Collection method: clinical testing. Allele origin: germline.

Athena Diagnostics
Classification: Likely benign. Last evaluated: 2020-05-11. Review status: criteria provided, single submitter. Criteria: Athena Diagnostics Criteria. Collection method: clinical testing. Allele origin: unknown.

Illumina Laboratory Services, Illumina
Classification: Uncertain significance for Autosomal recessive ataxia, Beauce type. Last evaluated: 2018-01-13. Review status: criteria provided, single submitter. Criteria: ICSL Variant Classification Criteria 13 December 2019. Collection method: clinical testing. Allele origin: germline.

Illumina Laboratory Services, Illumina
Classification: Likely benign for Emery-Dreifuss muscular dystrophy 4, autosomal dominant. Last evaluated: 2018-01-13. Review status: criteria provided, single submitter. Criteria: ICSL Variant Classification Criteria 13 December 2019. Collection method: clinical testing. Allele origin: germline.
Comment: This variant was observed in the ICSL laboratory as part of a predisposition screen in an ostensibly healthy population. It had not been previously curated by ICSL or reported in the Human Gene Mutation Database (HGMD: prior to June 1st, 2018), and was therefore a candidate for classification through an automated scoring system. Utilizing variant allele frequency, disease prevalence and penetrance estimates, and inheritance mode, an automated score was calculated to assess if this variant is too frequent to cause the disease. Based on the score and internal cut-off values, a variant classified as likely benign is not then subjected to further curation. The score for this variant resulted in a classification of likely benign for this disease.

Eurofins Ntd Llc (ga)
Classification: Uncertain significance. Last evaluated: 2015-10-28. Review status: criteria provided, single submitter. Criteria: EGL Classification Definitions 2015. Collection method: clinical testing. Allele origin: germline. Observed: 2 variant alleles, 2 heterozygotes.

NM_182961.4(SYNE1):c.15175C>T (p.Leu5059=)

Gene: SYNE1 (spectrin repeat containing nuclear envelope protein 1; minus strand). Cytogenetic location: 6q25.2.
Variant type: single nucleotide variant.
Coding change: c.15175C>T on transcript NM_182961.4 (MANE Select); coding-DNA position 15175, C replaced by T.
Protein change: p.Leu5059=; no amino-acid change (leucine 5059 retained).
Molecular consequence: synonymous variant.
Genome position (GRCh38, 1-based): chr6:152,326,414, G>A on the plus strand (C>T on the coding strand, the complement: SYNE1 is on the minus strand). VCF-style: chr6-152326414-G-A. GRCh37 (hg19) VCF-style: chr6-152647549-G-A.
Other names: c.14962C>T, p.Leu4988= (NM_033071.5).
Identifiers: ClinVar variation 284459 (VCV000284459.21), dbSNP rs763930147, ClinGen allele CA4055864.